The following is an entry in ClinVar:

ClinVar aggregate classification (germline): Uncertain significance (1 of 4 stars; one submission).

Conditions:
Familial thoracic aortic aneurysm and aortic dissection (TAAD). Also called: Thoracic aortic aneurysms and dissections. Identifiers: Orphanet 91387, MedGen C4707243, MONDO:0019625.

Submission:

Labcorp Genetics (formerly Invitae), Labcorp
Classification: Uncertain significance for Familial thoracic aortic aneurysm and aortic dissection. Last evaluated: 2023-03-09. Review status: criteria provided, single submitter. Criteria: Invitae Variant Classification Sherloc (09022015). Collection method: clinical testing. Allele origin: germline.
Comment: This sequence change affects codon 54 of the TGFBR1 mRNA. It is a 'silent' change, meaning that it does not change the encoded amino acid sequence of the TGFBR1 protein. This variant is not present in population databases (gnomAD no frequency). This variant has not been reported in the literature in individuals affected with TGFBR1-related conditions. Algorithms developed to predict the effect of sequence changes on RNA splicing suggest that this variant may disrupt the consensus splice site. In summary, the available evidence is currently insufficient to determine the role of this variant in disease. Therefore, it has been classified as a Variant of Uncertain Significance.

NM_004612.4(TGFBR1):c.162C>T (p.Cys54=)

Gene: TGFBR1 (transforming growth factor beta receptor 1; plus strand). Cytogenetic location: 9q22.33.
Variant type: single nucleotide variant.
Coding change: c.162C>T on transcript NM_004612.4 (MANE Select); coding-DNA position 162, C replaced by T.
Protein change: p.Cys54=; no amino-acid change (cysteine 54 retained).
Molecular consequence: synonymous variant. On other transcripts: 5 prime UTR variant (15), non-coding transcript variant (4), intron variant (3).
Genome position (GRCh38, 1-based): chr9:99,128,919, C>T. VCF-style: chr9-99128919-C-T. GRCh37 (hg19) VCF-style: chr9-101891201-C-T.
Other names: c.162C>T, p.Cys54= (NM_001130916.3, NM_001306210.2, NM_001407416.1 and 2 more transcripts); c.-46C>T (NM_001407418.1, NM_001407419.1, NM_001407420.1 and 12 more transcripts); c.98-3590C>T (NM_001407436.1); c.98-8940C>T (NM_001407438.1); c.98-13617C>T (NM_001407437.1).
Identifiers: ClinVar variation 2844666 (VCV002844666.3), dbSNP rs2118564588, ClinGen allele CA466648224.